The following is an entry in ClinVar:

NM_018180.3(DHX32):c.1344C>G (p.Asn448Lys)

Genes: BCCIP (BRCA2 and CDKN1A interacting protein; plus strand), DHX32 (DEAH-box helicase 32 (putative); minus strand). Cytogenetic location: 10q26.2.
Variant type: single nucleotide variant.
Coding change: c.1344C>G on transcript NM_018180.3 (MANE Select); coding-DNA position 1344, C replaced by G.
Protein change: p.Asn448Lys; replaces asparagine 448 with lysine.
Molecular consequence: missense variant. On other transcripts: intron variant (1).
Genome position (GRCh38, 1-based): chr10:125,852,300, G>C on the plus strand (C>G on the coding strand, the complement: DHX32 is on the minus strand). VCF-style: chr10-125852300-G-C. GRCh37 (hg19) VCF-style: chr10-127540869-G-C.
Other names: c.851-825G>C (NM_016567.4); short protein forms N448K.
Identifiers: ClinVar variation 2712114 (VCV002712114.4), dbSNP rs61757587, ClinGen allele CA5739217.

ClinVar aggregate classification (germline): Uncertain significance. Review status: criteria provided, multiple submitters, no conflicts (2 of 4 stars). 2 submissions from 2 submitters: Uncertain significance (2). Last evaluated 2025-01-22.

Allele frequency attached by ClinVar (database versions not stated): 1000 Genomes Project 30x 0.00016.
gnomAD v4.1: 9 of 1,613,982 alleles (0.00056%); highest among the groups gnomAD compares: African/African-American, 0.0067%; no homozygotes.

Submissions (2):

Labcorp Genetics (formerly Invitae), Labcorp
Classification: Uncertain significance. Last evaluated: 2025-01-22. Review status: criteria provided, single submitter. Criteria: Invitae Variant Classification Sherloc (09022015). Collection method: clinical testing. Allele origin: germline.
Comment: This sequence change replaces asparagine, which is neutral and polar, with lysine, which is basic and polar, at codon 448 of the DHX32 protein (p.Asn448Lys). This variant is present in population databases (rs61757587, gnomAD 0.02%). This variant has not been reported in the literature in individuals affected with DHX32-related conditions. ClinVar contains an entry for this variant (Variation ID: 2712114). An algorithm developed to predict the effect of missense changes on protein structure and function (PolyPhen-2) suggests that this variant is likely to be tolerated. In summary, the available evidence is currently insufficient to determine the role of this variant in disease. Therefore, it has been classified as a Variant of Uncertain Significance.

Ambry Genetics
Classification: Uncertain significance. Last evaluated: 2024-01-22. Review status: criteria provided, single submitter. Criteria: Ambry Variant Classification Scheme 2023. Collection method: clinical testing. Allele origin: germline.